The following is an entry in ClinVar:

ClinVar aggregate classification (germline): Pathogenic (1 of 4 stars; one submission).

Allele frequency attached by ClinVar (database versions not stated): gnomAD exomes below 0.00001; ExAC 0.00001.

Submission:

GeneDx
Classification: Pathogenic. Last evaluated: 2023-05-10. Review status: criteria provided, single submitter. Criteria: GeneDx Variant Classification Process June 2021. Collection method: clinical testing. Allele origin: germline. Affected: yes.
Comment: Frameshift variant predicted to result in protein truncation or nonsense mediated decay in a gene for which loss of function is a known mechanism of disease; Not observed at significant frequency in large population cohorts (gnomAD); Has not been previously published as pathogenic or benign to our knowledge

NM_144991.3(TSPEAR):c.1065del (p.Lys355fs)

Gene: TSPEAR (thrombospondin type laminin G domain and EAR repeats; minus strand). Cytogenetic location: 21q22.3.
Variant type: Deletion.
Coding change: c.1065del on transcript NM_144991.3 (MANE Select); coding-DNA position 1065, one base deleted (G; older notation c.1065delG).
Protein change: p.Lys355fs; shifts the reading frame from lysine 355.
Molecular consequence: frameshift variant.
Genome position (GRCh38, 1-based): chr21:44,527,376, C deleted on the plus strand (G on the coding strand, the reverse complement: TSPEAR is on the minus strand). VCF-style (leftmost placement, unchanged base first): chr21-44527375-AC-A. GRCh37 (hg19) VCF-style: chr21-45947258-AC-A.
Other names: c.861del, p.Lys287fs (NM_001272037.2); short protein forms K287fs, K355fs.
Identifiers: ClinVar variation 2663338 (VCV002663338.1), dbSNP rs782013294, ClinGen allele CA10056740.